The following is an entry in ClinVar:

ClinVar aggregate classification (germline): Uncertain significance. Review status: criteria provided, single submitter (1 of 4 stars). 2 submissions from 2 submitters: Uncertain significance (1). 1 of the submissions does not count toward it. Last evaluated 2023-10-03.

Conditions:
Glutaric acidemia type 2C.
Multiple acyl-CoA dehydrogenase deficiency (MADD). Also called: ETHYLMALONIC-ADIPICACIDURIA; GA II; Glutaric aciduria, type 2; Glutaric acidemia type II; GA 2; Glutaric Acidemia type 2. Identifiers: Orphanet 26791, MedGen C0268596, MONDO:0009282, OMIM 231680.

Submissions (2):

Labcorp Genetics (formerly Invitae), Labcorp
Classification: Uncertain significance for Multiple acyl-CoA dehydrogenase deficiency. Last evaluated: 2023-10-03. Review status: criteria provided, single submitter. Criteria: Invitae Variant Classification Sherloc (09022015). Collection method: clinical testing. Allele origin: germline.
Comment: This sequence change replaces aspartic acid, which is acidic and polar, with tyrosine, which is neutral and polar, at codon 554 of the ETFDH protein (p.Asp554Tyr). This variant is not present in population databases (gnomAD no frequency). This variant has not been reported in the literature in individuals affected with ETFDH-related conditions. ClinVar contains an entry for this variant (Variation ID: 1916787). Advanced modeling of protein sequence and biophysical properties (such as structural, functional, and spatial information, amino acid conservation, physicochemical variation, residue mobility, and thermodynamic stability) performed at Invitae indicates that this missense variant is expected to disrupt ETFDH protein function. In summary, the available evidence is currently insufficient to determine the role of this variant in disease. Therefore, it has been classified as a Variant of Uncertain Significance.

Natera, Inc.
Classification: Uncertain significance for Glutaric acidemia type 2C. Last evaluated: 2025-03-20. Review status: no assertion criteria provided. Collection method: clinical testing. Allele origin: germline. Not counted in ClinVar's aggregate classification.

NM_004453.4(ETFDH):c.1660G>T (p.Asp554Tyr)

Gene: ETFDH (electron transfer flavoprotein dehydrogenase; plus strand). Cytogenetic location: 4q32.1.
Variant type: single nucleotide variant.
Coding change: c.1660G>T on transcript NM_004453.4 (MANE Select); coding-DNA position 1660, G replaced by T.
Protein change: p.Asp554Tyr; replaces aspartic acid 554 with tyrosine.
Molecular consequence: missense variant.
Genome position (GRCh38, 1-based): chr4:158,706,820, G>T. VCF-style: chr4-158706820-G-T. GRCh37 (hg19) VCF-style: chr4-159627972-G-T.
Other names: c.1519G>T, p.Asp507Tyr (NM_001281737.2); c.1477G>T, p.Asp493Tyr (NM_001281738.1); c.1660G>T (NM_004453.3); short protein forms D554Y, D493Y, D507Y.
Identifiers: ClinVar variation 1916787 (VCV001916787.4), dbSNP rs2476736094, ClinGen allele CA358565143.